The following is an entry in ClinVar:

ClinVar aggregate classification (germline): Conflicting classifications of pathogenicity. Review status: criteria provided, conflicting classifications (1 of 4 stars). 27 submissions from 23 submitters: Uncertain significance (3); Benign (7); Likely benign (11). 6 of the submissions do not count toward it. Last evaluated 2026-08-01.

Conditions:
TTN-related disorder. Also called: TTN-related disorders; TTN-related condition; TTN-related disease.
Cardiovascular phenotype. Identifiers: MedGen CN230736.
Brugada syndrome. Also called: Sudden Unexplained Death Syndrome; Sudden Unexplained Nocturnal Death Syndrome (SUNDS); Sudden unexpected nocturnal death syndrome; Sudden unexplained nocturnal death syndrome. Identifiers: Orphanet 130, MedGen C1142166, MONDO:0015263.
Cardiomyopathy (CMYO). Also called: Cardiomyopathies. Identifiers: Orphanet 167848, MedGen C0878544, MONDO:0004994, HP:0001638. Inheritance: Various modes of inheritance.
Autosomal recessive limb-girdle muscular dystrophy type 2J (LGMDR10). Also called: MUSCULAR DYSTROPHY, LIMB-GIRDLE, AUTOSOMAL RECESSIVE 10; Limb-girdle muscular dystrophy, type 2J. Identifiers: Orphanet 140922, MedGen C1837342, MONDO:0012127, OMIM 608807.
Dilated cardiomyopathy 1G (CMD1G). Identifiers: Orphanet 154, MedGen C1858763, MONDO:0011400, OMIM 604145.
Early-onset myopathy with fatal cardiomyopathy (CMYO5). Also called: CONGENITAL MYOPATHY 5 WITH CARDIOMYOPATHY; Salih Myopathy. Identifiers: Orphanet 289377, MedGen C2673677, MONDO:0012714, OMIM 611705. Disease mechanism: loss of function.
Myopathy, myofibrillar, 9, with early respiratory failure (MFM9). Also called: Myopathy, distal, with early respiratory failure, autosomal dominant; Hereditary myopathy with early respiratory failure; EDSTROM MYOPATHY; MYOPATHY, PROXIMAL, WITH EARLY RESPIRATORY MUSCLE INVOLVEMENT. Identifiers: Orphanet 178464, Orphanet 34521, MedGen C1863599, MONDO:0011362, OMIM 603689.
Tibial muscular dystrophy (TMD). Also called: Tibial muscular dystrophy, tardive; Udd Distal Myopathy – Tibial Muscular Dystrophy; UDD MYOPATHY. Identifiers: Orphanet 609, MedGen C1838244, MONDO:0010870, OMIM 600334.
Tip-toe gait. Also called: Toe walking. Identifiers: MedGen C0427144, HP:0030051.

Allele frequency attached by ClinVar (database versions not stated): 1000 Genomes Project 0.00120; 1000 Genomes Project 30x 0.00125; gnomAD 0.00189 and 0.00195; ESP Exome Variant Server 0.00135; gnomAD exomes 0.00174 and 0.00346; ExAC 0.00153; TOPMed 0.00221.
gnomAD v4.1: 5,319 of 1,613,164 alleles (0.33%); highest among the groups gnomAD compares: Non-Finnish European, 0.4%; 14 homozygotes.

Submissions 1 to 17 of 27:

CeGaT Center for Human Genetics Tuebingen
Classification: Likely benign. Last evaluated: 2026-08-01. Review status: criteria provided, single submitter. Criteria: CeGaT Center For Human Genetics Tuebingen Variant Classification Criteria Version 2. Collection method: clinical testing. Allele origin: germline. Affected: yes. Observed: 29 variant alleles.
Comment: TTN: BP4, BS2

Labcorp Genetics (formerly Invitae), Labcorp
Classification: Likely benign for Dilated cardiomyopathy 1G; Autosomal recessive limb-girdle muscular dystrophy type 2J. Last evaluated: 2026-02-03. Review status: criteria provided, single submitter. Criteria: Invitae Variant Classification Sherloc (09022015). Collection method: clinical testing. Allele origin: germline.

Mayo Clinic Laboratories, Mayo Clinic
Classification: Benign. Last evaluated: 2025-09-11. Review status: criteria provided, single submitter. Criteria: ACMG Guidelines, 2015. Collection method: clinical testing. Allele origin: germline. Observed: 8 variant alleles.
Comment: BS1, BS2

ARUP Laboratories, Molecular Genetics and Genomics, ARUP Laboratories
Classification: Likely benign. Last evaluated: 2025-07-22. Review status: criteria provided, single submitter. Criteria: ARUP Molecular Germline Variant Investigation Process 2024. Collection method: clinical testing. Allele origin: germline.

Molecular Diagnostic Laboratory for Inherited Cardiovascular Disease, Montreal Heart Institute
Classification: Benign. Last evaluated: 2025-04-09. Review status: criteria provided, single submitter. Criteria: ACMG Guidelines, 2015. Collection method: clinical testing. Allele origin: germline. Affected: no.

Blueprint Genetics
Classification: Likely benign. Last evaluated: 2024-11-22. Review status: criteria provided, single submitter. Criteria: ACMG Guidelines, 2015. Collection method: clinical testing. Allele origin: germline.

Molecular Genetics, Royal Melbourne Hospital
Classification: Likely benign for Autosomal recessive limb-girdle muscular dystrophy type 2J. Last evaluated: 2024-07-04. Review status: criteria provided, single submitter. Criteria: ACMG Guidelines, 2015. Collection method: clinical testing. Allele origin: germline. Inheritance: Autosomal recessive inheritance. Affected: no.

Women's Health and Genetics/Laboratory Corporation of America, LabCorp
Classification: Likely benign. Last evaluated: 2021-07-27. Review status: criteria provided, single submitter. Criteria: LabCorp Variant Classification Summary - May 2015. Collection method: clinical testing. Allele origin: germline.
Comment: Variant summary: TTN c.59395T>C (p.Ser19799Pro) results in a non-conservative amino acid change located in the A-band region of the encoded protein sequence. Four of five in-silico tools predict a damaging effect of the variant on protein function. The variant allele was found at a frequency of 0.0017 in 247956 control chromosomes, particularly at a frequency of 0.0025 within the Non-Finnish European subpopulation in the gnomAD database. The observed variant frequency within Non-Finnish European control individuals in the gnomAD database is approximately 4-fold of the estimated maximal expected allele frequency for a pathogenic variant in TTN causing Cardiomyopathy phenotype (0.00063), strongly suggesting that the variant is a benign polymorphism. c.59395T>C has been reported in the literature in individuals affected with hypertrophic cardiomyopathy, sudden unexplained death and atrial fibrillation without strong evidence of causality (e.g. Lopes_2013, Campuzano_2015, Weigl_2019). These reports do not provide unequivocal conclusions about association of the variant with Cardiomyopathy. To our knowledge, no experimental evidence demonstrating an impact on protein function has been reported. Eight ClinVar submitters (evaluation after 2014) cite the variant as benign/likely benign and three ClinVar submitters (evaluation after 2014) cite it as uncertain significance. Based on the evidence outlined above, the variant was classified as likely benign.

Athena Diagnostics
Classification: Benign. Last evaluated: 2020-08-27. Review status: criteria provided, single submitter. Criteria: Athena Diagnostics criteria. Collection method: clinical testing. Allele origin: unknown.

CHEO Genetics Diagnostic Laboratory, Children's Hospital of Eastern Ontario
Classification: Benign for Cardiomyopathy. Last evaluated: 2019-03-26. Review status: criteria provided, single submitter. Criteria: ACMG Guidelines, 2015. Collection method: clinical testing. Allele origin: germline.

Center for Advanced Laboratory Medicine, UC San Diego Health, University of California San Diego
Classification: Likely benign for Brugada syndrome; Cardiomyopathy. Last evaluated: 2019-02-16. Review status: criteria provided, single submitter. Criteria: ACMG Guidelines, 2015. Collection method: clinical testing. Allele origin: germline. Affected: yes. Observed: 3 variant alleles.

Ambry Genetics
Classification: Likely benign for Cardiovascular phenotype. Last evaluated: 2018-09-13. Review status: criteria provided, single submitter. Criteria: Ambry Variant Classification Scheme 2023. Collection method: clinical testing. Allele origin: germline.

Illumina Laboratory Services, Illumina
Classification: Benign for Myopathy, myofibrillar, 9, with early respiratory failure. Last evaluated: 2018-01-12. Review status: criteria provided, single submitter. Criteria: ICSL Variant Classification Criteria 13 December 2019. Collection method: clinical testing. Allele origin: germline.
Comment: This variant was observed in the ICSL laboratory as part of a predisposition screen in an ostensibly healthy population. It had not been previously curated by ICSL or reported in the Human Gene Mutation Database (HGMD: prior to June 1st, 2018), and was therefore a candidate for classification through an automated scoring system. Utilizing variant allele frequency, disease prevalence and penetrance estimates, and inheritance mode, an automated score was calculated to assess if this variant is too frequent to cause the disease. Based on the score and internal cut-off values, a variant classified as benign is not then subjected to further curation. The score for this variant resulted in a classification of benign for this disease.

Illumina Laboratory Services, Illumina
Classification: Benign for Tibial muscular dystrophy. Last evaluated: 2018-01-12. Review status: criteria provided, single submitter. Criteria: ICSL Variant Classification Criteria 13 December 2019. Collection method: clinical testing. Allele origin: germline.
Comment: the same text as in the submission from Illumina Laboratory Services, Illumina above.

Illumina Laboratory Services, Illumina
Classification: Uncertain significance for Autosomal recessive limb-girdle muscular dystrophy type 2J. Last evaluated: 2018-01-12. Review status: criteria provided, single submitter. Criteria: ICSL Variant Classification Criteria 13 December 2019. Collection method: clinical testing. Allele origin: germline.

Illumina Laboratory Services, Illumina
Classification: Uncertain significance for Dilated cardiomyopathy 1G. Last evaluated: 2018-01-12. Review status: criteria provided, single submitter. Criteria: ICSL Variant Classification Criteria 13 December 2019. Collection method: clinical testing. Allele origin: germline.

Illumina Laboratory Services, Illumina
Classification: Uncertain significance for Early-onset myopathy with fatal cardiomyopathy. Last evaluated: 2018-01-12. Review status: criteria provided, single submitter. Criteria: ICSL Variant Classification Criteria 13 December 2019. Collection method: clinical testing. Allele origin: germline.

NM_001267550.2(TTN):c.67099T>C (p.Ser22367Pro)

Genes: TTN (titin; minus strand), TTN-AS1 (TTN antisense RNA 1; plus strand). Cytogenetic location: 2q31.2.
Variant type: single nucleotide variant.
Coding change: c.67099T>C on transcript NM_001267550.2 (MANE Select); coding-DNA position 67099, T replaced by C.
Protein change: p.Ser22367Pro; replaces serine 22367 with proline.
Molecular consequence: missense variant.
Genome position (GRCh38, 1-based): chr2:178,580,188, A>G on the plus strand (T>C on the coding strand, the complement: TTN is on the minus strand). VCF-style: chr2-178580188-A-G. GRCh37 (hg19) VCF-style: chr2-179444915-A-G.
Other names: p.S20726P:TCC>CCC; p.Ser20726Pro; c.62176T>C, p.Ser20726Pro (NM_001256850.1); c.39904T>C, p.Ser13302Pro (NM_003319.4); c.59395T>C, p.Ser19799Pro (NM_133378.4); c.40279T>C, p.Ser13427Pro (NM_133432.3); c.40480T>C, p.Ser13494Pro (NM_133437.4); short protein forms S22367P, S19799P, S20726P, S13302P, S13427P, S13494P.
Identifiers: ClinVar variation 47248 (VCV000047248.85), dbSNP rs72646873, ClinGen allele CA140450.